The following is an entry in ClinVar:

NM_001145678.3(KIAA0825):c.2108G>A (p.Trp703Ter)

Gene: KIAA0825 (KIAA0825; minus strand). Cytogenetic location: 5q15.
Variant type: single nucleotide variant.
Coding change: c.2108G>A on transcript NM_001145678.3 (MANE Select); coding-DNA position 2108, G replaced by A.
Protein change: p.Trp703Ter; replaces tryptophan 703 with a stop codon.
Molecular consequence: nonsense. On other transcripts: non-coding transcript variant (1).
Genome position (GRCh38, 1-based): chr5:94,462,525, C>T on the plus strand (G>A on the coding strand, the complement: KIAA0825 is on the minus strand). VCF-style: chr5-94462525-C-T. GRCh37 (hg19) VCF-style: chr5-93798230-C-T.
Other names: c.2108G>A, p.Trp703Ter (NM_001385712.1, NM_001385713.1, NM_001388325.1); short protein forms W703*.
Identifiers: ClinVar variation 5019598 (VCV005019598.2).

ClinVar aggregate classification (germline): Likely pathogenic (1 of 4 stars; one submission).

Conditions:
Polydactyly, postaxial, type a10. Identifiers: MedGen C5193129, MONDO:0032785, OMIM 618498.

Submission:

Juno Genomics, Hangzhou Juno Genomics, Inc
Classification: Likely pathogenic for Polydactyly, postaxial, type a10. Review status: criteria provided, single submitter. Criteria: ACMG Guidelines, 2015. Collection method: clinical testing. Allele origin: germline.
Comment: Absent from controls (or at extremely low frequency if recessive) in Genome Aggregation Database.;Null variant in a gene where loss of function (LOF) is a known mechanism of disease.